The following is an entry in ClinVar:

NM_001173467.3(SP7):c.866G>A (p.Arg289Gln)

Gene: SP7 (Sp7 transcription factor; minus strand). Cytogenetic location: 12q13.13.
Variant type: single nucleotide variant.
Coding change: c.866G>A on transcript NM_001173467.3 (MANE Select); coding-DNA position 866, G replaced by A.
Protein change: p.Arg289Gln; replaces arginine 289 with glutamine.
Molecular consequence: missense variant.
Genome position (GRCh38, 1-based): chr12:53,328,576, C>T on the plus strand (G>A on the coding strand, the complement: SP7 is on the minus strand). VCF-style: chr12-53328576-C-T. GRCh37 (hg19) VCF-style: chr12-53722360-C-T.
Other names: c.812G>A, p.Arg271Gln (NM_001300837.2); c.866G>A, p.Arg289Gln (NM_152860.2); short protein forms R271Q, R289Q.
Identifiers: ClinVar variation 1383612 (VCV001383612.3), dbSNP rs745897669, ClinGen allele CA6599507.
Genomic context (GRCh38, chr12:53,328,576, plus strand): 5'-GAAGCCTTGCCATACACCTTGCCGCAGCCAGGGATGTGGCAGCTGTGGATGGGCTTCTTC[C>T]GCAGCCCAGCCGCTGCTGCTCCCAGCCGCTCTAGCTCCTGGCAATTAGGGCAGTCGCAGG-3'
Protein context (NP_001166938.1, residues 279-299): ERLGAAAAGL[Arg289Gln]KKPIHSCHIP

ClinVar aggregate classification (germline): Uncertain significance (1 of 4 stars; one submission).

Allele frequency attached by ClinVar (database versions not stated): TOPMed 0.00002; gnomAD 0.00003 and 0.00004; ExAC 0.00004.
gnomAD v4.1: 56 of 1,609,330 alleles (0.0035%); highest among the groups gnomAD compares: East Asian, 0.0022%; no homozygotes.

Submission:

Labcorp Genetics (formerly Invitae), Labcorp
Classification: Uncertain significance. Last evaluated: 2021-09-15. Review status: criteria provided, single submitter. Criteria: Invitae Variant Classification Sherloc (09022015). Collection method: clinical testing. Allele origin: germline.
Comment: This sequence change replaces arginine with glutamine at codon 289 of the SP7 protein (p.Arg289Gln). The arginine residue is highly conserved and there is a small physicochemical difference between arginine and glutamine. This variant is present in population databases (rs745897669, ExAC 0.009%). This variant has not been reported in the literature in individuals affected with SP7-related conditions. Algorithms developed to predict the effect of missense changes on protein structure and function are either unavailable or do not agree on the potential impact of this missense change (SIFT: "Deleterious"; PolyPhen-2: "Benign"; Align-GVGD: "Class C0"). In summary, the available evidence is currently insufficient to determine the role of this variant in disease. Therefore, it has been classified as a Variant of Uncertain Significance.